The following is an entry in ClinVar:

ClinVar aggregate classification (germline): Uncertain significance (1 of 4 stars; one submission).

Conditions:
Alexander disease (ALXDRD). Also called: Alexander's disease. Identifiers: Orphanet 58, MedGen C0270726, MONDO:0008752, OMIM 203450.

Allele frequency attached by ClinVar (database versions not stated): TOPMed 0.00001.

Submission:

Victorian Clinical Genetics Services, Murdoch Childrens Research Institute
Classification: Uncertain significance for Alexander disease. Last evaluated: 2020-07-02. Review status: criteria provided, single submitter. Criteria: ACMG Guidelines, 2015. Collection method: clinical testing. Allele origin: germline. Inheritance: Autosomal dominant inheritance.
Comment: Based on the classification scheme VCGS_Germline_v1.1.1, this variant is classified as 3C-VUS. Following criteria are met: 0105 - The mechanism of disease for this gene is not clearly established. Missense variants have been reported to cause a gain of function, however a dominant negative mechanism has also been suggested (OMIM). (N) 0107 - This gene is known to be associated with autosomal dominant disease. (N) 0200 - Variant is predicted to result in a missense amino acid change from threonine to isoleucine (exon 2). (N) 0251 - Variant is heterozygous. (N) 0302 - Variant is present in gnomAD <0.001 for a dominant condition (1 heterozygote, 0 homozygotes). (P) 0502 - Missense variant with conflicting in silico predictions and/or uninformative conservation. (N) 0600 - Variant is located in an annotated domain or motif (filament domain; PDB, NCBI). (N) 0705 - No comparable variants have previous evidence for pathogenicity. (N) 0807 - Variant has not previously been reported in a clinical context. (N) 0905 - No segregation evidence has been identified for this variant. (N) 1007 - No published functional evidence has been identified for this variant. (N) 1208 - Inheritance information for this variant is not currently available. (N) Legend: (P) - Pathogenic, (N) - Neutral, (B) - Benign

NM_002055.5(GFAP):c.476C>T (p.Thr159Ile)

Gene: GFAP (glial fibrillary acidic protein; minus strand). Cytogenetic location: 17q21.31.
Variant type: single nucleotide variant.
Coding change: c.476C>T on transcript NM_002055.5 (MANE Select); coding-DNA position 476, C replaced by T.
Protein change: p.Thr159Ile; replaces threonine 159 with isoleucine.
Molecular consequence: missense variant.
Genome position (GRCh38, 1-based): chr17:44,914,074, G>A on the plus strand (C>T on the coding strand, the complement: GFAP is on the minus strand). VCF-style: chr17-44914074-G-A. GRCh37 (hg19) VCF-style: chr17-42991442-G-A.
Other names: c.476C>T, p.Thr159Ile (NM_001131019.3, NM_001242376.3, NM_001363846.2); short protein forms T159I.
Identifiers: ClinVar variation 1805302 (VCV001805302.1), dbSNP rs534444398, ClinGen allele CA399847062.